The following is an entry in ClinVar:

ClinVar aggregate classification (germline): Pathogenic. Review status: criteria provided, multiple submitters, no conflicts (2 of 4 stars). 2 submissions from 2 submitters: Pathogenic (2). Last evaluated 2022-03-04.

Conditions:
Hereditary cancer-predisposing syndrome. Also called: Neoplastic Syndromes, Hereditary; Tumor predisposition; Hereditary Cancer Syndrome; Hereditary neoplastic syndrome. Identifiers: Orphanet 140162, MedGen C0027672, MeSH D009386, MONDO:0015356.

Submissions (2):

Labcorp Genetics (formerly Invitae), Labcorp
Classification: Pathogenic for Hereditary cancer-predisposing syndrome. Last evaluated: 2022-03-04. Review status: criteria provided, single submitter. Criteria: Invitae Variant Classification Sherloc (09022015). Collection method: clinical testing. Allele origin: germline.
Comment: For these reasons, this variant has been classified as Pathogenic. ClinVar contains an entry for this variant (Variation ID: 820893). This variant has not been reported in the literature in individuals affected with RAD50-related conditions. This variant is not present in population databases (gnomAD no frequency). This sequence change creates a premature translational stop signal (p.Gln737*) in the RAD50 gene. It is expected to result in an absent or disrupted protein product. Loss-of-function variants in RAD50 are known to be pathogenic (PMID: 19409520).

Ambry Genetics
Classification: Pathogenic for Hereditary cancer-predisposing syndrome. Last evaluated: 2018-09-04. Review status: criteria provided, single submitter. Criteria: Ambry Variant Classification Scheme 2023. Collection method: clinical testing. Allele origin: germline.
Comment: The p.Q737* pathogenic mutation (also known as c.2209C>T), located in coding exon 14 of the RAD50 gene, results from a C to T substitution at nucleotide position 2209. This changes the amino acid from a glutamine to a stop codon within coding exon 14. This alteration is expected to result in loss of function by premature protein truncation or nonsense-mediated mRNA decay. As such, this alteration is interpreted as a disease-causing mutation.

Literature cited by the submitters: PubMed 19409520 (cited by Labcorp Genetics (formerly Invitae), Labcorp).

NM_005732.4(RAD50):c.2209C>T (p.Gln737Ter)

Gene: RAD50 (RAD50 double strand break repair protein; plus strand). Cytogenetic location: 5q31.1.
Variant type: single nucleotide variant.
Coding change: c.2209C>T on transcript NM_005732.4 (MANE Select); coding-DNA position 2209, C replaced by T.
Protein change: p.Gln737Ter; replaces glutamine 737 with a stop codon.
Molecular consequence: nonsense.
Genome position (GRCh38, 1-based): chr5:132,603,301, C>T. VCF-style: chr5-132603301-C-T. GRCh37 (hg19) VCF-style: chr5-131938993-C-T.
Other names: short protein forms Q737*.
Identifiers: ClinVar variation 820893 (VCV000820893.9), dbSNP rs549559726, ClinGen allele CA360952991.